The following is an entry in ClinVar:

NM_033026.6(PCLO):c.2764A>G (p.Thr922Ala)

Gene: PCLO (piccolo presynaptic cytomatrix protein; minus strand). Cytogenetic location: 7q21.11.
Variant type: single nucleotide variant.
Coding change: c.2764A>G on transcript NM_033026.6 (MANE Select); coding-DNA position 2764, A replaced by G.
Protein change: p.Thr922Ala; replaces threonine 922 with alanine.
Molecular consequence: missense variant.
Genome position (GRCh38, 1-based): chr7:83,134,786, T>C on the plus strand (A>G on the coding strand, the complement: PCLO is on the minus strand). VCF-style: chr7-83134786-T-C. GRCh37 (hg19) VCF-style: chr7-82764102-T-C.
Other names: c.2764A>G, p.Thr922Ala (NM_014510.3); short protein forms T922A.
Identifiers: ClinVar variation 1521016 (VCV001521016.4), dbSNP rs962961752, ClinGen allele CA161172186.

ClinVar aggregate classification (germline): Uncertain significance (1 of 4 stars; one submission).

Allele frequency attached by ClinVar (database versions not stated): gnomAD 0.00001; gnomAD exomes 0.00001 and 0.00002; TOPMed 0.00001.
gnomAD v4.1: 30 of 1,613,512 alleles (0.0019%); highest among the groups gnomAD compares: Non-Finnish European, 0.0025%; no homozygotes.

Submission:

Labcorp Genetics (formerly Invitae), Labcorp
Classification: Uncertain significance. Last evaluated: 2022-08-31. Review status: criteria provided, single submitter. Criteria: Invitae Variant Classification Sherloc (09022015). Collection method: clinical testing. Allele origin: germline.
Comment: In summary, the available evidence is currently insufficient to determine the role of this variant in disease. Therefore, it has been classified as a Variant of Uncertain Significance. Algorithms developed to predict the effect of missense changes on protein structure and function are either unavailable or do not agree on the potential impact of this missense change (SIFT: "Tolerated"; PolyPhen-2: "Not Available"; Align-GVGD: "Class C0"). ClinVar contains an entry for this variant (Variation ID: 1521016). This variant has not been reported in the literature in individuals affected with PCLO-related conditions. This variant is present in population databases (no rsID available, gnomAD 0.007%). This sequence change replaces threonine, which is neutral and polar, with alanine, which is neutral and non-polar, at codon 922 of the PCLO protein (p.Thr922Ala).